The following is an entry in ClinVar:

NM_002474.3(MYH11):c.3928G>A (p.Val1310Met)

Genes: MYH11 (myosin heavy chain 11; minus strand), NDE1 (nudE neurodevelopment protein 1; plus strand). Cytogenetic location: 16p13.11.
Variant type: single nucleotide variant.
Coding change: c.3928G>A on transcript NM_002474.3 (MANE Select); coding-DNA position 3928, G replaced by A.
Protein change: p.Val1310Met; replaces valine 1310 with methionine.
Molecular consequence: missense variant. On other transcripts: 3 prime UTR variant (2).
Genome position (GRCh38, 1-based): chr16:15,724,923, C>T on the plus strand (G>A on the coding strand, the complement: MYH11 is on the minus strand). VCF-style: chr16-15724923-C-T. GRCh37 (hg19) VCF-style: chr16-15818780-C-T.
Other names: p.V1310M:GTG>ATG; p.Val1317Met; c.3949G>A, p.Val1317Met (NM_001040113.2, NM_001040114.2); c.3928G>A, p.Val1310Met (NM_022844.3); c.*672C>T (NM_001143979.2, NM_017668.3); short protein forms V1310M, V1317M.
Identifiers: ClinVar variation 201068 (VCV000201068.66), dbSNP rs7196804, ClinGen allele CA306546.

ClinVar aggregate classification (germline): Conflicting classifications of pathogenicity. Review status: criteria provided, conflicting classifications (1 of 4 stars). 20 submissions from 18 submitters: Uncertain significance (2); Benign (3); Likely benign (10). 5 of the submissions do not count toward it. Last evaluated 2026-08-01.

Conditions:
MYH11-related disorder. Also called: MYH11-related condition.
Cardiovascular phenotype. Identifiers: MedGen CN230736.
Megacystis-microcolon-intestinal hypoperistalsis syndrome 2. Identifiers: MedGen C5543476, MONDO:0025708, OMIM 619351.
Visceral myopathy 2. Identifiers: MedGen C5543466, MONDO:0859157, OMIM 619350.
Aortic aneurysm, familial thoracic 4 (AAT4). Also called: AORTIC ANEURYSM/AORTIC DISSECTION AND PATENT DUCTUS ARTERIOSUS. Identifiers: MedGen C1851504, MONDO:0007568, OMIM 132900.
Connective tissue disorder. Also called: Connective tissue disease. Identifiers: MedGen C0009782, MONDO:0003900.
Familial thoracic aortic aneurysm and aortic dissection (TAAD). Also called: Thoracic aortic aneurysms and dissections. Identifiers: Orphanet 91387, MedGen C4707243, MONDO:0019625.
Lissencephaly 4 (LIS4). Also called: Lissencephaly 4 (with microcephaly). Identifiers: Orphanet 1083, MedGen C3151461, MONDO:0013527, OMIM 614019.

Allele frequency attached by ClinVar (database versions not stated): ExAC 0.00070; gnomAD exomes 0.00080; 1000 Genomes Project 0.00120; 1000 Genomes Project 30x 0.00125; TOPMed 0.00174; gnomAD 0.00194 and 0.00216; ESP Exome Variant Server 0.00269.
gnomAD v4.1: 1,121 of 1,614,162 alleles (0.069%); highest among the groups gnomAD compares: African/African-American, 0.57%; 2 homozygotes.

Submissions (20):

CeGaT Center for Human Genetics Tuebingen
Classification: Likely benign. Last evaluated: 2026-08-01. Review status: criteria provided, single submitter. Criteria: CeGaT Center For Human Genetics Tuebingen Variant Classification Criteria Version 2. Collection method: clinical testing. Allele origin: germline. Affected: yes. Observed: 11 variant alleles.
Comment: MYH11: BS1

Labcorp Genetics (formerly Invitae), Labcorp
Classification: Likely benign for Aortic aneurysm, familial thoracic 4. Last evaluated: 2026-01-28. Review status: criteria provided, single submitter. Criteria: Invitae Variant Classification Sherloc (09022015). Collection method: clinical testing. Allele origin: germline.

Mayo Clinic Laboratories, Mayo Clinic
Classification: Likely benign. Last evaluated: 2025-08-29. Review status: criteria provided, single submitter. Criteria: ACMG Guidelines, 2015. Collection method: clinical testing. Allele origin: germline. Observed: 1 variant allele.
Comment: BS1

ARUP Laboratories, Molecular Genetics and Genomics, ARUP Laboratories
Classification: Likely benign. Last evaluated: 2025-05-20. Review status: criteria provided, single submitter. Criteria: ARUP Molecular Germline Variant Investigation Process 2024. Collection method: clinical testing. Allele origin: germline.

Blueprint Genetics
Classification: Likely benign. Last evaluated: 2024-10-14. Review status: criteria provided, single submitter. Criteria: ACMG Guidelines, 2015. Collection method: clinical testing. Allele origin: germline.

Center for Genomics, Ann and Robert H. Lurie Children's Hospital of Chicago
Classification: Uncertain significance for Megacystis-microcolon-intestinal hypoperistalsis syndrome 2; Aortic aneurysm, familial thoracic 4; Visceral myopathy 2. Last evaluated: 2021-03-30. Review status: criteria provided, single submitter. Criteria: ACMG Guidelines, 2015. Collection method: clinical testing. Allele origin: germline.
Comment: MYH11 NM_002474.2 exon 29 p.Val1310Met (c.3928G>A): This variant has not been reported in the literature but is present in 0.5% (125/24024) of African alleles in the Genome Aggregation Database. This variant is present in ClinVar, with several labs classifying this variant as likely benign or benign(Variation ID:201068). Evolutionary conservation and computational predictive tools suggest that this variant may impact the protein. In summary, data on this variant is insufficient for disease classification. Therefore, the clinical significance of this variant is uncertain.

Color Diagnostics, LLC DBA Color Health
Classification: Benign for Familial thoracic aortic aneurysm and aortic dissection. Last evaluated: 2018-10-15. Review status: criteria provided, single submitter. Criteria: ACMG Guidelines, 2015. Collection method: clinical testing. Allele origin: germline.

Center for Human Genetics, Inc
Classification: Likely benign for Connective tissue disorder. Last evaluated: 2018-06-01. Review status: criteria provided, single submitter. Criteria: ACMG Guidelines, 2015. Collection method: clinical testing. Allele origin: germline. Affected: yes.

Center for Genomics, Ann and Robert H. Lurie Children's Hospital of Chicago
Classification: Uncertain significance for Aortic aneurysm, familial thoracic 4. Last evaluated: 2018-02-08. Review status: criteria provided, single submitter. Criteria: ACMG Guidelines, 2015. Collection method: clinical testing. Allele origin: germline.
Comment: the same text as in the submission from Center for Genomics, Ann and Robert H. Lurie Children's Hospital of Chicago above.

Illumina Laboratory Services, Illumina
Classification: Likely benign for Lissencephaly 4. Last evaluated: 2018-01-13. Review status: criteria provided, single submitter. Criteria: ICSL Variant Classification Criteria 13 December 2019. Collection method: clinical testing. Allele origin: germline.
Comment: This variant was observed in the ICSL laboratory as part of a predisposition screen in an ostensibly healthy population. It had not been previously curated by ICSL or reported in the Human Gene Mutation Database (HGMD: prior to June 1st, 2018), and was therefore a candidate for classification through an automated scoring system. Utilizing variant allele frequency, disease prevalence and penetrance estimates, and inheritance mode, an automated score was calculated to assess if this variant is too frequent to cause the disease. Based on the score and internal cut-off values, a variant classified as likely benign is not then subjected to further curation. The score for this variant resulted in a classification of likely benign for this disease.

GeneDx
Classification: Likely benign. Last evaluated: 2017-09-27. Review status: criteria provided, single submitter. Criteria: GeneDx Variant Classification (06012015). Collection method: clinical testing. Allele origin: germline. Affected: yes.
Comment: This variant is considered likely benign or benign based on one or more of the following criteria: it is a conservative change, it occurs at a poorly conserved position in the protein, it is predicted to be benign by multiple in silico algorithms, and/or has population frequency not consistent with disease.

CHEO Genetics Diagnostic Laboratory, Children's Hospital of Eastern Ontario
Classification: Likely benign for Familial thoracic aortic aneurysm and aortic dissection. Last evaluated: 2017-05-12. Review status: criteria provided, single submitter. Criteria: ACMG Guidelines, 2015. Collection method: clinical testing. Allele origin: germline. Study: Canadian Open Genetics Repository.

Illumina Laboratory Services, Illumina
Classification: Benign for Aortic aneurysm, familial thoracic 4. Last evaluated: 2017-04-27. Review status: criteria provided, single submitter. Criteria: ICSL Variant Classification Criteria 13 December 2019. Collection method: clinical testing. Allele origin: germline.
Comment: This variant was observed as part of a predisposition screen in an ostensibly healthy population. A literature search was performed for the gene, cDNA change, and amino acid change (where applicable). No publications were found based on this search. Allele frequency data from public databases was too high to be consistent with this variant causing disease. Therefore, this variant is classified as benign.

Eurofins Ntd Llc (ga)
Classification: Likely benign. Last evaluated: 2016-10-26. Review status: criteria provided, single submitter. Criteria: EGL Classification Definitions 2015. Collection method: clinical testing. Allele origin: germline. Observed: 1 variant allele, 1 heterozygote.

Ambry Genetics
Classification: Benign for Cardiovascular phenotype. Last evaluated: 2016-03-03. Review status: criteria provided, single submitter. Criteria: Ambry Autosomal Dominant and X-Linked criteria (10/2015). Collection method: clinical testing. Allele origin: germline. Observed: 1 variant allele.
Comment: General population or subpopulation frequency is too high to be a pathogenic mutation based on disease/syndrome prevalence and penetrance;Insufficient or conflicting evidence

PreventionGenetics, part of Exact Sciences
Classification: Likely benign for MYH11-related condition. Last evaluated: 2019-04-15. Review status: no assertion criteria provided. Collection method: clinical testing. Allele origin: germline. Not counted in ClinVar's aggregate classification.
Comment: This variant is classified as likely benign based on ACMG/AMP sequence variant interpretation guidelines (Richards et al. 2015 PMID: 25741868, with internal and published modifications).

Clinical Genetics DNA and cytogenetics Diagnostics Lab, Erasmus MC, Erasmus Medical Center
Classification: Likely benign. Review status: no assertion criteria provided. Collection method: clinical testing. Allele origin: germline. Affected: yes. Study: VKGL Data-share Consensus. Not counted in ClinVar's aggregate classification.

Genome Diagnostics Laboratory, Amsterdam University Medical Center
Classification: Benign. Review status: no assertion criteria provided. Collection method: clinical testing. Allele origin: germline. Affected: yes. Study: VKGL Data-share Consensus. Not counted in ClinVar's aggregate classification.

Genome Diagnostics Laboratory, University Medical Center Utrecht
Classification: Likely benign. Review status: no assertion criteria provided. Collection method: clinical testing. Allele origin: germline. Affected: yes. Study: VKGL Data-share Consensus. Not counted in ClinVar's aggregate classification.

Laboratory of Diagnostic Genome Analysis, Leiden University Medical Center (LUMC)
Classification: Likely benign. Review status: no assertion criteria provided. Collection method: clinical testing. Allele origin: germline. Affected: yes. Study: VKGL Data-share Consensus. Not counted in ClinVar's aggregate classification.